The following is an entry in ClinVar:

NM_001267550.2(TTN):c.69131dup (p.Gly23045fs)

Genes: TTN (titin; minus strand), TTN-AS1 (TTN antisense RNA 1; plus strand). Cytogenetic location: 2q31.2.
Variant type: Duplication.
Coding change: c.69131dup on transcript NM_001267550.2 (MANE Select); coding-DNA position 69131, one base duplicated (C; older notation c.69131dupC).
Protein change: p.Gly23045fs; shifts the reading frame from glycine 23045.
Molecular consequence: frameshift variant.
Genome position (GRCh38, 1-based): chr2:178,577,204, G duplicated on the plus strand (C on the coding strand, the reverse complement: TTN is on the minus strand); the first of 5 consecutive G bases (chr2:178,577,204-178,577,208); duplicating any one gives the same sequence. VCF-style (leftmost placement, unchanged base first): chr2-178577203-T-TG. GRCh37 (hg19) VCF-style: chr2-179441930-T-TG.
Other names: c.64208dup, p.Gly21404fs (NM_001256850.1); c.41936dup, p.Gly13980fs (NM_003319.4); c.61427dup, p.Gly20477fs (NM_133378.4); c.42311dup, p.Gly14105fs (NM_133432.3); c.42512dup, p.Gly14172fs (NM_133437.4); c.41936dupC (NM_003319.4); short protein forms G20477fs, G14105fs, G21404fs, G23045fs, G14172fs, G13980fs.
Identifiers: ClinVar variation 1738584 (VCV001738584.2), dbSNP rs2154173603, ClinGen allele CA2580064945.

ClinVar aggregate classification (germline): Likely pathogenic (1 of 4 stars; one submission).

Conditions:
Cardiovascular phenotype. Identifiers: MedGen CN230736.

Submission:

Ambry Genetics
Classification: Likely pathogenic for Cardiovascular phenotype. Last evaluated: 2021-12-09. Review status: criteria provided, single submitter. Criteria: Ambry Variant Classification Scheme 2023. Collection method: clinical testing. Allele origin: germline.
Comment: The c.41936dupC variant, located in coding exon 151 of the TTN gene, results from a duplication of C at nucleotide position 41936, causing a translational frameshift with a predicted alternate stop codon (p.G13980Rfs*4). This exon is located in the A-band region of the N2-B isoform of the titin protein and is constitutively expressed in TTN transcripts (percent spliced in or PSI 100%). This variant is considered to be rare based on population cohorts in the Genome Aggregation Database (gnomAD). This alteration is expected to result in loss of function by premature protein truncation or nonsense-mediated mRNA decay. While truncating variants in TTN are present in 1-3% of the general population, truncating variants in the A-band are the most common cause of dilated cardiomyopathy (DCM) (Herman DS et al. N. Engl. J. Med., 2012 Feb;366:619-28; Roberts AM et al. Sci Transl Med, 2015 Jan;7:270ra6). TTN truncating variants encoded in constitutive exons (PSI >90%) have been found to be significantly associated with DCM regardless of their position in titin (Schafer S et al. Nat. Genet., 2017 01;49:46-53). As such, this alteration is classified as likely pathogenic.